The following is an entry in ClinVar:

ClinVar aggregate classification (germline): Uncertain significance. Review status: reviewed by expert panel (3 of 4 stars). 3 submissions from 3 submitters: Uncertain significance (1). 2 of the submissions do not count toward it. Last evaluated 2025-08-01.

Conditions:
Malignant hyperthermia of anesthesia. Also called: Anesthesic-triggered malignant hyperthermia. Identifiers: Orphanet 423, MedGen C0024591, MONDO:0018493, HP:0034733.
Malignant hyperthermia, susceptibility to, 1 (MHS1). Also called: RYR1-Related Malignant Hyperthermia Susceptibility; Anesthesia related hyperthermia; Malignant hyperpyrexia; Fulminating hyperpyrexia; Pharmacogenic myopathy; Malignant hyperthermia suceptibility 1. Identifiers: Orphanet 423, MedGen C2930980, MONDO:0007783, OMIM 145600.

Allele frequency attached by ClinVar (database versions not stated): ESP Exome Variant Server 0.00008.

Submissions (3):

ClinGen Malignant Hyperthermia Susceptibility Variant Curation Expert Panel, ClinGen
Classification: Uncertain significance for Malignant hyperthermia of anesthesia. Last evaluated: 2025-08-01. Review status: reviewed by expert panel. Criteria: ClinGen MHS ACMG Specifications V2. Collection method: curation. Allele origin: germline. Inheritance: Autosomal dominant inheritance.
Comment: This pathogenicity assessment is relevant only for malignant hyperthermia susceptibility (MHS) inherited in an autosomal dominant pattern. Variants in RYR1 can also cause other myopathies inherited in an autosomal dominant pattern or in an autosomal recessive pattern. Some of these disorders may predispose individuals to malignant hyperthermia. RYR1 variants may also contribute to a malignant hyperthermia reaction in combination with other genetic and non-genetic factors and the clinician needs to consider such factors in making management decisions. This sequence variant predicts a substitution of arginine with cysteine at codon 1964 of the RYR1 protein, p.(Arg1964Cys). This variant was not present in a large population database (gnomAD) at the time this variant was interpreted. This variant has been reported in an individual with a positive in vitro contracture test (IVCT), however, it was unclear as to whether an MH event had occurred in this individual or a relative. As well, the individual had a second variant in RYR1 of unknown significance (p.Gln1219Pro), PS4 was not implemented (PMID:21965348). No functional studies were identified for this variant. This variant does not reside in a hotspot for pathogenic variants that contribute to MHS. A REVEL score 0.5 (0.232) supports a benign status for this variant, BP4. This variant has been classified as Likely Benign. Criteria implemented: BP4.

GeneDx
Classification: Uncertain significance. Last evaluated: 2024-07-21. Review status: criteria provided, single submitter. Criteria: GeneDx Variant Classification Process June 2021. Collection method: clinical testing. Allele origin: germline. Affected: yes. Not counted in ClinVar's aggregate classification.
Comment: Identified in a patient with malignant hyperthermia (MH) susceptibility who harbored a second RYR1 variant (phase unknown) (PMID: 21965348); Not observed at significant frequency in large population cohorts (gnomAD); In silico analysis indicates that this missense variant does not alter protein structure/function; This variant is associated with the following publications: (PMID: 21965348)

All of Us Research Program, National Institutes of Health
Classification: Uncertain significance for Malignant hyperthermia, susceptibility to, 1. Last evaluated: 2023-11-20. Review status: criteria provided, single submitter. Criteria: ACMG Guidelines, 2015. Collection method: clinical testing. Allele origin: germline. Inheritance: Autosomal dominant inheritance. Observed: 1 variant allele, 1 heterozygote. Not counted in ClinVar's aggregate classification.
Comment: This missense variant replaces arginine with cysteine at codon 1964 of the RYR1 protein. Computational prediction suggests that this variant may not impact protein structure and function (internally defined REVEL score threshold <= 0.5, PMID: 27666373). To our knowledge, functional studies have not been reported for this variant. This variant has been reported in one individual affected with malignant hyperthermia susceptibility who also carried a second variant of uncertain significance in the same gene in unknown phase (PMID: 21965348). This variant has not been identified in the general population by the Genome Aggregation Database (gnomAD). The available evidence is insufficient to determine the role of this variant in disease conclusively. Therefore, this variant is classified as a Variant of Uncertain Significance.

This study involves interpretation of variants in research participants for the purpose of population health screening. Participant phenotype was not available at the time of variant classification. Additional details can be found in publication PMID: 35346344, PMCID: PMC8962531

Literature cited by the submitters: PubMed 21965348 (cited by All of Us Research Program, National Institutes of Health).

NM_000540.3(RYR1):c.5890C>T (p.Arg1964Cys)

Gene: RYR1 (ryanodine receptor 1; plus strand). Cytogenetic location: 19q13.2.
Variant type: single nucleotide variant.
Coding change: c.5890C>T on transcript NM_000540.3 (MANE Select); coding-DNA position 5890, C replaced by T.
Protein change: p.Arg1964Cys; replaces arginine 1964 with cysteine.
Molecular consequence: missense variant.
Genome position (GRCh38, 1-based): chr19:38,490,151, C>T. VCF-style: chr19-38490151-C-T. GRCh37 (hg19) VCF-style: chr19-38980791-C-T.
Other names: NM_001042723.2:c.5890C>T; c.5890C>T (NM_000540.2); c.5890C>T, p.Arg1964Cys (NM_001042723.2); short protein forms R1964C.
Identifiers: ClinVar variation 1213827 (VCV001213827.5), dbSNP rs145801146, ClinGen allele CA308097442.